The following is an entry in ClinVar:

NM_001354930.2(RIPK1):c.562G>T (p.Gly188Cys)

Gene: RIPK1 (receptor interacting serine/threonine kinase 1; plus strand). Cytogenetic location: 6p25.2.
Variant type: single nucleotide variant.
Coding change: c.562G>T on transcript NM_001354930.2 (MANE Select); coding-DNA position 562, G replaced by T.
Protein change: p.Gly188Cys; replaces glycine 188 with cysteine.
Molecular consequence: missense variant.
Genome position (GRCh38, 1-based): chr6:3,083,187, G>T. VCF-style: chr6-3083187-G-T. GRCh37 (hg19) VCF-style: chr6-3083421-G-T.
Other names: c.73G>T, p.Gly25Cys (NM_001317061.3, NM_001354932.2, NM_001354933.2 and 1 more transcripts); c.424G>T, p.Gly142Cys (NM_001354931.2); c.562G>T, p.Gly188Cys (NM_003804.6); short protein forms G25C, G142C, G188C.
Identifiers: ClinVar variation 1478528 (VCV001478528.8), dbSNP rs369855897, ClinGen allele CA3618225.

ClinVar aggregate classification (germline): Uncertain significance (1 of 4 stars; one submission).

Allele frequency attached by ClinVar (database versions not stated): ESP Exome Variant Server 0.00008.
gnomAD v4.1: 22 of 1,613,874 alleles (0.0014%); highest among the groups gnomAD compares: African/African-American, 0.028%; no homozygotes.

Submission:

Labcorp Genetics (formerly Invitae), Labcorp
Classification: Uncertain significance. Last evaluated: 2024-02-06. Review status: criteria provided, single submitter. Criteria: Invitae Variant Classification Sherloc (09022015). Collection method: clinical testing. Allele origin: germline.
Comment: This sequence change replaces glycine, which is neutral and non-polar, with cysteine, which is neutral and slightly polar, at codon 188 of the RIPK1 protein (p.Gly188Cys). This variant is present in population databases (rs369855897, gnomAD 0.02%). This variant has not been reported in the literature in individuals affected with RIPK1-related conditions. ClinVar contains an entry for this variant (Variation ID: 1478528). An algorithm developed to predict the effect of missense changes on protein structure and function (PolyPhen-2) suggests that this variant is likely to be disruptive. In summary, the available evidence is currently insufficient to determine the role of this variant in disease. Therefore, it has been classified as a Variant of Uncertain Significance.